The following is an entry in ClinVar:

NM_012330.4(KAT6B):c.1040dup (p.Asn347fs)

Gene: KAT6B (lysine acetyltransferase 6B; plus strand). Cytogenetic location: 10q22.2.
Variant type: Duplication.
Coding change: c.1040dup on transcript NM_012330.4 (MANE Select); coding-DNA position 1040, one base duplicated (A; older notation c.1040dupA).
Protein change: p.Asn347fs; shifts the reading frame from asparagine 347.
Molecular consequence: frameshift variant. On other transcripts: intron variant (5).
Genome position (GRCh38, 1-based): chr10:74,972,618, A duplicated; the last of 5 consecutive A bases (chr10:74,972,614-74,972,618); duplicating any one gives the same sequence. VCF-style (leftmost placement, unchanged base first): chr10-74972613-G-GA. GRCh37 (hg19) VCF-style: chr10-76732371-G-GA.
Other names: c.1040dup, p.Asn347fs (NM_001256468.2, NM_001256469.2, NM_001370132.1 and 7 more transcripts); c.846+2843dup (NM_001370133.1); c.193-6606dup (NM_001370134.1); c.928+2517dup (NM_001370143.1, NM_001370144.1); c.192+12540dup (NM_001370135.1); short protein forms N347fs.
Identifiers: ClinVar variation 3342294 (VCV003342294.1).

ClinVar aggregate classification (germline): Likely pathogenic (1 of 4 stars; one submission).

Conditions:
Blepharophimosis - intellectual disability syndrome, SBBYS type (SBBYSS). Also called: Ohdo syndrome, SBBYS variant; SBBYSS syndrome; Say-Barber-Biesecker-Young-Simpson syndrome; Say-Barber-Biesecker-Young-Simpson variant of Ohdo Syndrome; Say-Barber-Biesecker Variant of Ohdo Syndrome; Young Simpson syndrome. Identifiers: Orphanet 3047, MedGen C1863557, MONDO:0011365, OMIM 603736.

Submission:

MVZ Medizinische Genetik Mainz
Classification: Likely pathogenic for Blepharophimosis - intellectual disability syndrome, SBBYS type. Last evaluated: 2024-08-29. Review status: criteria provided, single submitter. Criteria: UK Practice Guidelines For Variant Classification V4 01 2020. Collection method: clinical testing. Allele origin: germline. Inheritance: Autosomal dominant inheritance. Affected: yes. Observed: 1 variant allele.
Comment: ACMG Criteria: PVS1,PM2_SUP